The following is an entry in ClinVar:

NM_015046.7(SETX):c.2332C>T (p.Arg778Ter)

Gene: SETX (senataxin; minus strand). Cytogenetic location: 9q34.13.
Variant type: single nucleotide variant.
Coding change: c.2332C>T on transcript NM_015046.7 (MANE Select); coding-DNA position 2332, C replaced by T.
Protein change: p.Arg778Ter; replaces arginine 778 with a stop codon.
Molecular consequence: nonsense.
Genome position (GRCh38, 1-based): chr9:132,329,266, G>A on the plus strand (C>T on the coding strand, the complement: SETX is on the minus strand). VCF-style: chr9-132329266-G-A. GRCh37 (hg19) VCF-style: chr9-135204653-G-A.
Other names: c.2332C>T, p.Arg778Ter (NM_001351527.2, NM_001351528.2); c.2332C>T (NM_015046.5); short protein forms R778*.
Identifiers: ClinVar variation 987189 (VCV000987189.6), dbSNP rs747501465, ClinGen allele CA5297617.
Genomic context (GRCh38, chr9:132,329,266, plus strand): 5'-GCTTCTTTATTACATGTGATAACTTTGCACAGATTTCATCTTTCTGTACCTTAGTTTTTC[G>A]TTTTGAGGTTTTAGCAAGAGCATCATCCTTTAAAGAGAAATCTTCATTCGATGTGGACAC-3'

ClinVar aggregate classification (germline): Pathogenic/Likely pathogenic. Review status: criteria provided, multiple submitters, no conflicts (2 of 4 stars). 4 submissions from 4 submitters: Pathogenic (2); Likely pathogenic (1). 1 of the submissions does not count toward it. Last evaluated 2026-01-26.

Conditions:
Spinocerebellar ataxia, autosomal recessive, with axonal neuropathy 2 (SCAN2). Also called: Ataxia with Oculomotor Apraxia; ATAXIA-OCULOMOTOR APRAXIA 2; Ataxia-ocular apraxia-2; Ataxia with Oculomotor Apraxia Type 2. Identifiers: Orphanet 64753, MedGen C1853761, MONDO:0018996, OMIM 606002.

Allele frequency attached by ClinVar (database versions not stated): gnomAD exomes below 0.00001; ExAC 0.00001.

Submissions (4):

Medical and Scientific Branch, Hong Kong Genome Institute
Classification: Pathogenic for Spinocerebellar ataxia, autosomal recessive, with axonal neuropathy 2. Last evaluated: 2026-01-26. Review status: criteria provided, single submitter. Criteria: ACMG Guidelines, 2015. Collection method: clinical testing. Allele origin: paternal. Affected: yes.

Pangenia Genomics, Pangenia Inc.
Classification: Likely pathogenic for Spinocerebellar ataxia, autosomal recessive, with axonal neuropathy 2. Last evaluated: 2022-11-17. Review status: criteria provided, single submitter. Criteria: ACMG Guidelines, 2015. Collection method: research. Allele origin: paternal. Inheritance: Autosomal recessive inheritance. Affected: yes. Observed: 1 heterozygote.
Comment: This variant creates a premature stop codon in the SETX gene, which is expected to cause a loss of normal protein function via nonsense-mediated mRNA decay. Loss-of-function of gene SETX is a known mechanism of Autosomal Recessive Spinocerebellar Ataxia with Axonal Neuropathy 2. Moreover, this variant is at extremely low frequency in the gnomAD v2.1.1 dataset with good coverage of the locus.

Institute of Medical Genetics and Applied Genomics, University Hospital Tübingen
Classification: Pathogenic. Last evaluated: 2020-10-23. Review status: criteria provided, single submitter. Criteria: ACMG Guidelines, 2015. Collection method: clinical testing. Allele origin: germline. Inheritance: Unknown mechanism. Affected: yes.

Genomics England Pilot Project, Genomics England
Classification: Likely pathogenic for Spinocerebellar ataxia, autosomal recessive, with axonal neuropathy 2. Review status: no assertion criteria provided. Criteria: ACGS Guidelines, 2016. Collection method: clinical testing. Allele origin: germline. Affected: yes. Not counted in ClinVar's aggregate classification.